The following is an entry in ClinVar:

ClinVar aggregate classification (germline): Uncertain significance (1 of 4 stars; one submission).

Conditions:
Dilated cardiomyopathy 1G (CMD1G). Identifiers: Orphanet 154, MedGen C1858763, MONDO:0011400, OMIM 604145.
Autosomal recessive limb-girdle muscular dystrophy type 2J (LGMDR10). Also called: Limb-girdle muscular dystrophy, type 2J; MUSCULAR DYSTROPHY, LIMB-GIRDLE, AUTOSOMAL RECESSIVE 10. Identifiers: Orphanet 140922, MedGen C1837342, MONDO:0012127, OMIM 608807.

Submission:

Labcorp Genetics (formerly Invitae), Labcorp
Classification: Uncertain significance for Dilated cardiomyopathy 1G; Autosomal recessive limb-girdle muscular dystrophy type 2J. Last evaluated: 2023-09-10. Review status: criteria provided, single submitter. Criteria: Invitae Variant Classification Sherloc (09022015). Collection method: clinical testing. Allele origin: germline.
Comment: In summary, the available evidence is currently insufficient to determine the role of this variant in disease. Therefore, it has been classified as a Variant of Uncertain Significance. Experimental studies and prediction algorithms are not available or were not evaluated, and the functional significance of this variant is currently unknown. This variant has not been reported in the literature in individuals affected with TTN-related conditions. This variant is not present in population databases (gnomAD no frequency). This sequence change replaces threonine, which is neutral and polar, with alanine, which is neutral and non-polar, at codon 35878 of the TTN protein (p.Thr35878Ala).

NM_001267550.2(TTN):c.107632A>G (p.Thr35878Ala)

Genes: TTN-AS1 (TTN antisense RNA 1; plus strand), TTN (titin; minus strand). Cytogenetic location: 2q31.2.
Variant type: single nucleotide variant.
Coding change: c.107632A>G on transcript NM_001267550.2 (MANE Select); coding-DNA position 107632, A replaced by G.
Protein change: p.Thr35878Ala; replaces threonine 35878 with alanine.
Molecular consequence: missense variant.
Genome position (GRCh38, 1-based): chr2:178,527,494, T>C on the plus strand (A>G on the coding strand, the complement: TTN is on the minus strand). VCF-style: chr2-178527494-T-C. GRCh37 (hg19) VCF-style: chr2-179392221-T-C.
Other names: c.80437A>G, p.Thr26813Ala (NM_003319.4); c.99928A>G, p.Thr33310Ala (NM_133378.4); c.80812A>G, p.Thr26938Ala (NM_133432.3); c.81013A>G, p.Thr27005Ala (NM_133437.4); c.102709A>G, p.Thr34237Ala (NM_001256850.1); short protein forms T26813A, T34237A, T26938A, T33310A, T27005A, T35878A.
Identifiers: ClinVar variation 2934832 (VCV002934832.2), dbSNP rs2468245857, ClinGen allele CA349399875.